The following is an entry in ClinVar:

ClinVar aggregate classification (germline): Uncertain significance (1 of 4 stars; one submission).

gnomAD v4.1: 20 of 1,614,010 alleles (0.0012%); highest among the groups gnomAD compares: Non-Finnish European, 0.000085%; no homozygotes.

Submission:

CeGaT Center for Human Genetics Tuebingen
Classification: Uncertain significance. Last evaluated: 2022-05-01. Review status: criteria provided, single submitter. Criteria: CeGaT Center For Human Genetics Tuebingen Variant Classification Criteria Version 2. Collection method: clinical testing. Allele origin: germline. Affected: yes. Observed: 1 variant allele.
Comment: BPTF: PP2

NM_182641.4(BPTF):c.1281C>G (p.Asp427Glu)

Gene: BPTF (bromodomain PHD finger transcription factor; plus strand). Cytogenetic location: 17q24.2.
Variant type: single nucleotide variant.
Coding change: c.1281C>G on transcript NM_182641.4 (MANE Select); coding-DNA position 1281, C replaced by G.
Protein change: p.Asp427Glu; replaces aspartic acid 427 with glutamic acid.
Molecular consequence: missense variant.
Genome position (GRCh38, 1-based): chr17:67,854,607, C>G. VCF-style: chr17-67854607-C-G. GRCh37 (hg19) VCF-style: chr17-65850723-C-G.
Other names: c.1281C>G, p.Asp427Glu (NM_004459.7); short protein forms D427E.
Identifiers: ClinVar variation 2648126 (VCV002648126.24), dbSNP rs372829722, ClinGen allele CA8725110.